The following is an entry in ClinVar:

ClinVar aggregate classification (germline): Pathogenic (1 of 4 stars; one submission).

Conditions:
Rubinstein-Taybi syndrome (RSTS). Identifiers: Orphanet 783, MedGen C0035934, MONDO:0019188.

Submission:

Labcorp Genetics (formerly Invitae), Labcorp
Classification: Pathogenic for Rubinstein-Taybi syndrome. Last evaluated: 2024-08-16. Review status: criteria provided, single submitter. Criteria: Invitae Variant Classification Sherloc (09022015). Collection method: clinical testing. Allele origin: germline.
Comment: This sequence change affects an acceptor splice site in intron 27 of the CREBBP gene. It is expected to disrupt RNA splicing. Variants that disrupt the donor or acceptor splice site typically lead to a loss of protein function (PMID: 16199547), and loss-of-function variants in CREBBP are known to be pathogenic (PMID: 17052327, 18792986). This variant is not present in population databases (gnomAD no frequency). Disruption of this splice site has been observed in individual(s) with Rubinstein-Taybi syndrome (PMID: 29359884; Invitae). Algorithms developed to predict the effect of sequence changes on RNA splicing suggest that this variant may disrupt the consensus splice site. For these reasons, this variant has been classified as Pathogenic.

Literature cited by the submitters: PubMed 16199547; PubMed 17052327; PubMed 18792986; PubMed 29359884.

NM_004380.3(CREBBP):c.4561-2A>G

Gene: CREBBP (CREB binding lysine acetyltransferase; minus strand). Cytogenetic location: 16p13.3.
Variant type: single nucleotide variant.
Coding change: c.4561-2A>G on transcript NM_004380.3 (MANE Select); the canonical splice acceptor site of the intron before coding-DNA position 4561, A replaced by G.
Molecular consequence: splice acceptor variant.
Genome position (GRCh38, 1-based): chr16:3,736,205, T>C on the plus strand (A>G on the coding strand, the complement: CREBBP is on the minus strand). VCF-style: chr16-3736205-T-C. GRCh37 (hg19) VCF-style: chr16-3786206-T-C.
Other names: c.4447-2A>G (NM_001079846.1).
Identifiers: ClinVar variation 3662667 (VCV003662667.2).